The following is an entry in ClinVar:

ClinVar aggregate classification (germline): Pathogenic. Review status: criteria provided, multiple submitters, no conflicts (2 of 4 stars). 2 submissions from 2 submitters: Pathogenic (2). Last evaluated 2025-10-15.

Conditions:
Retinoblastoma (RB1). Also called: RETINOBLASTOMA, SOMATIC. Identifiers: Orphanet 790, MedGen C0035335, MeSH D012175, MONDO:0008380, OMIM 180200, HP:0009919. Disease mechanism: loss of function. Inheritance: Both sporadic and heritable forms are tested..
Hereditary cancer-predisposing syndrome. Also called: Hereditary Cancer Syndrome; Neoplastic Syndromes, Hereditary; Hereditary neoplastic syndrome; Tumor predisposition. Identifiers: Orphanet 140162, MedGen C0027672, MeSH D009386, MONDO:0015356.

Submissions (2):

Ambry Genetics
Classification: Pathogenic for Hereditary cancer-predisposing syndrome. Last evaluated: 2025-10-15. Review status: criteria provided, single submitter. Criteria: Ambry Variant Classification Scheme 2023. Collection method: clinical testing. Allele origin: germline.
Comment: The c.500+1G>T intronic pathogenic mutation results from a G to T substitution one nucleotide after coding exon 4 of the RB1 gene. This variant was reported in individual(s) with features consistent with retinoblastoma (Ambry internal data). This variant is considered to be rare based on population cohorts in the Genome Aggregation Database (gnomAD). This nucleotide position is highly conserved in available vertebrate species. In silico splice site analysis predicts that this alteration will weaken the native splice donor site and will result in the creation or strengthening of a novel splice donor site. RNA studies have demonstrated that this alteration results in abnormal splicing in the set of samples tested (Ambry internal data). Alterations that disrupt the canonical splice site are expected to cause aberrant splicing, resulting in an abnormal protein or a transcript that is subject to nonsense-mediated mRNA decay. As such, this alteration is classified as a disease-causing mutation.

Labcorp Genetics (formerly Invitae), Labcorp
Classification: Pathogenic for Retinoblastoma. Last evaluated: 2022-05-12. Review status: criteria provided, single submitter. Criteria: Invitae Variant Classification Sherloc (09022015). Collection method: clinical testing. Allele origin: germline.
Comment: Disruption of this splice site has been observed in individual(s) with retinoblastoma (PMID: 22084214, 31106028). For these reasons, this variant has been classified as Pathogenic. Algorithms developed to predict the effect of sequence changes on RNA splicing suggest that this variant may disrupt the consensus splice site. ClinVar contains an entry for this variant (Variation ID: 428702). This variant is not present in population databases (gnomAD no frequency). This sequence change affects a donor splice site in intron 4 of the RB1 gene. It is expected to disrupt RNA splicing. Variants that disrupt the donor or acceptor splice site typically lead to a loss of protein function (PMID: 16199547), and loss-of-function variants in RB1 are known to be pathogenic (PMID: 17096365).

Literature cited by the submitters: PubMed 17096365 (cited by Ambry Genetics and Labcorp Genetics (formerly Invitae), Labcorp); PubMed 22084214 (cited by Labcorp Genetics (formerly Invitae), Labcorp); PubMed 31106028 (cited by Labcorp Genetics (formerly Invitae), Labcorp); PubMed 16199547 (cited by Labcorp Genetics (formerly Invitae), Labcorp).

NM_000321.3(RB1):c.500+1G>T

Gene: RB1 (RB transcriptional corepressor 1; plus strand). Cytogenetic location: 13q14.2.
Variant type: single nucleotide variant.
Coding change: c.500+1G>T on transcript NM_000321.3 (MANE Select); the canonical splice donor site of the intron after coding-DNA position 500, G replaced by T.
Molecular consequence: splice donor variant.
Genome position (GRCh38, 1-based): chr13:48,345,200, G>T. VCF-style: chr13-48345200-G-T. GRCh37 (hg19) VCF-style: chr13-48919336-G-T.
Other names: c.500+1G>T (NM_001407165.1, NM_001407166.1).
Identifiers: ClinVar variation 428702 (VCV000428702.11), dbSNP rs1131690880, ClinGen allele CA388252868.